The following is an entry in ClinVar:

NM_001103.4(ACTN2):c.1256-3C>T

Gene: ACTN2 (actinin alpha 2; plus strand). Cytogenetic location: 1q43.
Variant type: single nucleotide variant.
Coding change: c.1256-3C>T on transcript NM_001103.4 (MANE Select); 3 bases into the intron before coding-DNA position 1256, C replaced by T.
Molecular consequence: intron variant.
Genome position (GRCh38, 1-based): chr1:236,744,623, C>T. VCF-style: chr1-236744623-C-T. GRCh37 (hg19) VCF-style: chr1-236907923-C-T.
Other names: c.632-3C>T (NM_001278344.2); c.1256-3C>T (NM_001278343.2).
Identifiers: ClinVar variation 463191 (VCV000463191.11), dbSNP rs1553303028, ClinGen allele CA658656991.

ClinVar aggregate classification (germline): Uncertain significance (1 of 4 stars; one submission).

Conditions:
Dilated cardiomyopathy 1AA (CMD1AA). Also called: Cardiomyopathy, dilated, 1AA, with or without LVNC; CARDIOMYOPATHY, DILATED, 1AA, WITH OR WITHOUT LEFT VENTRICULAR NONCOMPACTION; CARDIOMYOPATHY, FAMILIAL HYPERTROPHIC, 23, WITH OR WITHOUT LEFT VENTRICULAR NONCOMPACTION. Identifiers: Orphanet 154, MedGen C2677338, MONDO:0012808, OMIM 612158.
Primary familial hypertrophic cardiomyopathy (HCM). Identifiers: Orphanet 99739, MedGen C0949658, MeSH D024741, MONDO:0024573. Inheritance: Various modes of inheritance.

Submission:

Labcorp Genetics (formerly Invitae), Labcorp
Classification: Uncertain significance for Primary familial hypertrophic cardiomyopathy; Dilated cardiomyopathy 1AA. Last evaluated: 2019-07-24. Review status: criteria provided, single submitter. Criteria: Invitae Variant Classification Sherloc (09022015). Collection method: clinical testing. Allele origin: germline.
Comment: In summary, the available evidence is currently insufficient to determine the role of this variant in disease. Therefore, it has been classified as a Variant of Uncertain Significance. Nucleotide substitutions within the consensus splice site are a relatively common cause of aberrant splicing (PMID: 17576681, 9536098). Algorithms developed to predict the effect of sequence changes on RNA splicing suggest that this variant is not likely to affect RNA splicing, but this prediction has not been confirmed by published transcriptional studies. This variant has not been reported in the literature in individuals with ACTN2-related disease. ClinVar contains an entry for this variant (Variation ID: 463191). This variant is not present in population databases (ExAC no frequency). This sequence change falls in intron 11 of the ACTN2 gene. It does not directly change the encoded amino acid sequence of the ACTN2 protein, but it affects a nucleotide within the consensus splice site of the intron.

Literature cited by the submitters: PubMed 17576681; PubMed 9536098.